The following is an entry in ClinVar:

ClinVar aggregate classification (germline): Uncertain significance (1 of 4 stars; one submission).

Conditions:
Familial thoracic aortic aneurysm and aortic dissection (TAAD). Also called: Thoracic aortic aneurysms and dissections. Identifiers: Orphanet 91387, MedGen C4707243, MONDO:0019625.

gnomAD v4.1: 2 of 1,613,410 alleles (0.00012%); no homozygotes.

Submission:

Ambry Genetics
Classification: Uncertain significance for Familial thoracic aortic aneurysm and aortic dissection. Last evaluated: 2025-12-11. Review status: criteria provided, single submitter. Criteria: Ambry Variant Classification Scheme 2023. Collection method: clinical testing. Allele origin: germline.
Comment: The p.V984M variant (also known as c.2950G>A), located in coding exon 15 of the MYLK gene, results from a G to A substitution at nucleotide position 2950. The valine at codon 984 is replaced by methionine, an amino acid with highly similar properties. This amino acid position is conserved. In addition, the in silico prediction for this alteration is inconclusive. Based on the available evidence, the clinical significance of this variant remains unclear.

NM_053025.4(MYLK):c.2950G>A (p.Val984Met)

Gene: MYLK (myosin light chain kinase; minus strand). Cytogenetic location: 3q21.1.
Variant type: single nucleotide variant.
Coding change: c.2950G>A on transcript NM_053025.4 (MANE Select); coding-DNA position 2950, G replaced by A.
Protein change: p.Val984Met; replaces valine 984 with methionine.
Molecular consequence: missense variant.
Genome position (GRCh38, 1-based): chr3:123,700,518, C>T on the plus strand (G>A on the coding strand, the complement: MYLK is on the minus strand). VCF-style: chr3-123700518-C-T. GRCh37 (hg19) VCF-style: chr3-123419365-C-T.
Other names: c.2422G>A, p.Val808Met (NM_001321309.2); c.2743G>A, p.Val915Met (NM_053026.4, NM_053028.4); c.2950G>A, p.Val984Met (NM_053027.4); short protein forms V984M, V808M, V915M.
Identifiers: ClinVar variation 4635453 (VCV004635453.1).
Genomic context (GRCh38, chr3:123,700,518, plus strand): 5'-TCAGGGTCTCGGCACTGCTGCTGCCATTCTCTGCTGGTAATTTCTTCTTGCCACCCAGCA[C>T]TGAGCGAAAATCCGGGGTGGCAGGTTTTGGCGGTGGCACCTTCTCAGGCACGGGGGTCTT-3'
Protein context (NP_444253.3, residues 974-994): PKPATPDFRS[Val984Met]LGGKKKLPAE